The following is an entry in ClinVar:

ClinVar aggregate classification (germline): Likely pathogenic (1 of 4 stars; one submission).

Conditions:
Hereditary diffuse gastric adenocarcinoma (HDGC). Also called: DIFFUSE GASTRIC AND LOBULAR BREAST CANCER SYNDROME. Identifiers: Orphanet 26106, MedGen C1708349, MONDO:0007648, OMIM 137215.

Submission:

European Reference Network on Genetic Tumour Risk Syndromes (ERN-GENTURIS), i3s - Instituto de Investigação e Inovação em Saúde, University of Porto
Classification: Likely pathogenic for Hereditary diffuse gastric adenocarcinoma. Last evaluated: 2022-08-01. Review status: criteria provided, single submitter. Criteria: Lee et al. (Hum Mutat. 2018). Collection method: clinical testing. Allele origin: germline. Inheritance: Autosomal dominant inheritance. Affected: yes. Study: ERN GENTURIS.
Comment: PVS1_Strong; PS4_Supporting; PM2 (PMID: 30311375)

Literature cited by the submitters: PubMed 36436516; PubMed 28688938.

NC_000016.10:g.(?_68833290)_(68835537_?)del

Gene: CDH1 (cadherin 1; plus strand). Cytogenetic location: 16q22.1.
Variant type: Deletion.
Identifiers: ClinVar variation 2503011 (VCV002503011.1).